The following is an entry in ClinVar:

ClinVar aggregate classification (germline): Uncertain significance (1 of 4 stars; one submission).

Allele frequency attached by ClinVar (database versions not stated): gnomAD exomes below 0.00001.
gnomAD v4.1: 1 of 1,207,037 alleles (0.000083%); highest among the groups gnomAD compares: Middle Eastern, 0.023%; no homozygotes.

Submission:

Labcorp Genetics (formerly Invitae), Labcorp
Classification: Uncertain significance. Last evaluated: 2025-05-05. Review status: criteria provided, single submitter. Criteria: Invitae Variant Classification Sherloc (09022015). Collection method: clinical testing. Allele origin: germline.
Comment: This sequence change replaces alanine, which is neutral and non-polar, with valine, which is neutral and non-polar, at codon 355 of the COL4A6 protein (p.Ala355Val). This variant is not present in population databases (gnomAD no frequency). This variant has not been reported in the literature in individuals affected with COL4A6-related conditions. ClinVar contains an entry for this variant (Variation ID: 2187940). Invitae Evidence Modeling of protein sequence and biophysical properties (such as structural, functional, and spatial information, amino acid conservation, physicochemical variation, residue mobility, and thermodynamic stability) indicates that this missense variant is not expected to disrupt COL4A6 protein function with a negative predictive value of 80%. In summary, the available evidence is currently insufficient to determine the role of this variant in disease. Therefore, it has been classified as a Variant of Uncertain Significance.

NM_033641.4(COL4A6):c.1061C>T (p.Ala354Val)

Gene: COL4A6 (collagen type IV alpha 6 chain; minus strand). Cytogenetic location: Xq22.3.
Variant type: single nucleotide variant.
Coding change: c.1061C>T on transcript NM_033641.4 (MANE Select); coding-DNA position 1061, C replaced by T.
Protein change: p.Ala354Val; replaces alanine 354 with valine.
Molecular consequence: missense variant.
Genome position (GRCh38, 1-based): chrX:108,193,639, G>A on the plus strand (C>T on the coding strand, the complement: COL4A6 is on the minus strand). VCF-style: chrX-108193639-G-A. GRCh37 (hg19) VCF-style: chrX-107436869-G-A.
Other names: c.1061C>T, p.Ala354Val (NM_001287758.2, NM_001287759.2, NM_001287760.2); c.1064C>T, p.Ala355Val (NM_001847.4); short protein forms A354V, A355V.
Identifiers: ClinVar variation 2187940 (VCV002187940.4), dbSNP rs2522131975, ClinGen allele CA413861764.
Genomic context (GRCh38, chrX:108,193,639, plus strand): 5'-ATTTAACTTCCTGTCTTTATTTTCCACTCAAATTAATGAGAAGTTGCACCTGAGATCACA[G>A]CACCATCTATATCGATGAAAACATCTGGGCCTGGCAGGCCAATGTCACCCTTTTGACCCT-3'
Protein context (NP_378667.1, residues 344-364): GPDVFIDIDG[Ala354Val]VISGNPGDPG